The following is an entry in ClinVar:

NM_001352514.2(HLCS):c.497T>C (p.Val166Ala)

Gene: HLCS (holocarboxylase synthetase; minus strand). Cytogenetic location: 21q22.13.
Variant type: single nucleotide variant.
Coding change: c.497T>C on transcript NM_001352514.2 (MANE Select); coding-DNA position 497, T replaced by C.
Protein change: p.Val166Ala; replaces valine 166 with alanine.
Molecular consequence: missense variant. On other transcripts: non-coding transcript variant (2).
Genome position (GRCh38, 1-based): chr21:36,937,389, A>G on the plus strand (T>C on the coding strand, the complement: HLCS is on the minus strand). VCF-style: chr21-36937389-A-G. GRCh37 (hg19) VCF-style: chr21-38309689-A-G.
Other names: c.56T>C, p.Val19Ala (NM_000411.8, NM_001242784.3, NM_001242785.2 and 4 more transcripts); short protein forms V166A, V19A.
Identifiers: ClinVar variation 2121427 (VCV002121427.4), dbSNP rs2517583612, ClinGen allele CA409914211.

ClinVar aggregate classification (germline): Uncertain significance (1 of 4 stars; one submission).

Conditions:
Holocarboxylase synthetase deficiency. Also called: MULTIPLE CARBOXYLASE DEFICIENCY, EARLY ONSET. Identifiers: Orphanet 79242, MedGen C0268581, MONDO:0009666, OMIM 253270.

Submission:

Labcorp Genetics (formerly Invitae), Labcorp
Classification: Uncertain significance for Holocarboxylase synthetase deficiency. Last evaluated: 2025-08-04. Review status: criteria provided, single submitter. Criteria: Invitae Variant Classification Sherloc (09022015). Collection method: clinical testing. Allele origin: germline.
Comment: This sequence change replaces valine, which is neutral and non-polar, with alanine, which is neutral and non-polar, at codon 19 of the HLCS protein (p.Val19Ala). This variant is not present in population databases (gnomAD no frequency). This variant has not been reported in the literature in individuals affected with HLCS-related conditions. ClinVar contains an entry for this variant (Variation ID: 2121427). Invitae Evidence Modeling of protein sequence and biophysical properties (such as structural, functional, and spatial information, amino acid conservation, physicochemical variation, residue mobility, and thermodynamic stability) has been performed for this missense variant. However, the output from this modeling did not meet the statistical confidence thresholds required to predict the impact of this variant on HLCS protein function. In summary, the available evidence is currently insufficient to determine the role of this variant in disease. Therefore, it has been classified as a Variant of Uncertain Significance.